The following is an entry in ClinVar:

NM_001048174.2(MUTYH):c.682A>T (p.Thr228Ser)

Gene: MUTYH (mutY DNA glycosylase; minus strand). Cytogenetic location: 1p34.1.
Variant type: single nucleotide variant.
Coding change: c.682A>T on transcript NM_001048174.2 (MANE Select); coding-DNA position 682, A replaced by T.
Protein change: p.Thr228Ser; replaces threonine 228 with serine.
Molecular consequence: missense variant. On other transcripts: non-coding transcript variant (7).
Genome position (GRCh38, 1-based): chr1:45,332,413, T>A on the plus strand (A>T on the coding strand, the complement: MUTYH is on the minus strand). VCF-style: chr1-45332413-T-A. GRCh37 (hg19) VCF-style: chr1-45798085-T-A.
Other names: c.406A>T, p.Thr136Ser (NM_001293196.2, NM_001407091.1, NM_001293192.2); c.337A>T, p.Thr113Ser (NM_001350650.2, NM_001350651.2, NM_001407082.1); c.715A>T, p.Thr239Ser (NM_001407069.1, NM_001293191.2, NM_001407077.1); c.682A>T, p.Thr228Ser (NM_001407070.1, NM_001407072.1, NM_001407073.1 and 6 more transcripts); c.685A>T, p.Thr229Ser (NM_001407071.1, NM_001048172.2, NM_001407078.1 and 1 more transcripts); c.598A>T, p.Thr200Ser (NM_001407075.1); c.757A>T, p.Thr253Ser (NM_012222.3); c.766A>T, p.Thr256Ser (NM_001128425.2); and 5 more; short protein forms T113S, T200S, T253S, T214S, T228S, T235S, T239S, T242S.
Identifiers: ClinVar variation 4113821 (VCV004113821.1).

ClinVar aggregate classification (germline): Uncertain significance (1 of 4 stars; one submission).

Conditions:
Hereditary cancer-predisposing syndrome. Also called: Hereditary neoplastic syndrome; Neoplastic Syndromes, Hereditary; Tumor predisposition; Hereditary Cancer Syndrome. Identifiers: Orphanet 140162, MedGen C0027672, MeSH D009386, MONDO:0015356.

Submission:

Ambry Genetics
Classification: Uncertain significance for Hereditary cancer-predisposing syndrome. Last evaluated: 2025-08-27. Review status: criteria provided, single submitter. Criteria: Ambry Variant Classification Scheme 2023. Collection method: clinical testing. Allele origin: germline.
Comment: The p.T256S variant (also known as c.766A>T), located in coding exon 9 of the MUTYH gene, results from an A to T substitution at nucleotide position 766. The threonine at codon 256 is replaced by serine, an amino acid with similar properties. This amino acid position is conserved. In addition, this alteration is predicted to be tolerated by in silico analysis. Based on the available evidence, the clinical significance of this variant remains unclear.